The following is an entry in ClinVar:

NM_000245.4(MET):c.2584-8_2584-7dup

Gene: MET (MET proto-oncogene, receptor tyrosine kinase; plus strand). Cytogenetic location: 7q31.2.
Variant type: Duplication.
Coding change: c.2584-8_2584-7dup on transcript NM_000245.4 (MANE Select); 8 bases into the intron before coding-DNA position 2584 through 7 bases into the intron before coding-DNA position 2584, 2 bases duplicated (CC; older notation c.2584-8_2584-7dupCC).
Molecular consequence: intron variant.
Genome position (GRCh38, 1-based): chr7:116,769,637-116,769,638, CC duplicated. VCF-style (leftmost placement, unchanged base first): chr7-116769636-T-TCC. GRCh37 (hg19) VCF-style: chr7-116409690-T-TCC.
Other names: c.2638-8_2638-7dup (NM_001127500.3); c.1294-8_1294-7dup (NM_001324402.2); c.2584-8_2584-7dup (NM_001324401.3).
Identifiers: ClinVar variation 3773321 (VCV003773321.1).

ClinVar aggregate classification (germline): Likely benign (1 of 4 stars; one submission).

Conditions:
Papillary renal cell carcinoma type 1 (RCCP1). Also called: Renal adenocarcinoma; Renal cell carcinoma 1; Renal cell carcinoma, somatic; RENAL CELL CARCINOMA, PAPILLARY, 1, SOMATIC. Identifiers: Orphanet 47044, MedGen C1336839, OMIM 605074, HP:0011797.

Submission:

Myriad Genetics, Inc.
Classification: Likely benign for Papillary renal cell carcinoma type 1. Last evaluated: 2024-11-12. Review status: criteria provided, single submitter. Criteria: Myriad Autosomal Dominant, Autosomal Recessive and X-Linked Classification Criteria (2023). Collection method: clinical testing. Allele origin: unknown.
Comment: This variant is considered likely benign. This variant is intronic and is not expected to impact mRNA splicing.